The following is an entry in ClinVar:

NM_001256317.3(TMPRSS3):c.446+1G>T

Gene: TMPRSS3 (transmembrane serine protease 3; minus strand). Cytogenetic location: 21q22.3.
Variant type: single nucleotide variant.
Coding change: c.446+1G>T on transcript NM_001256317.3 (MANE Select); the canonical splice donor site of the intron after coding-DNA position 446, G replaced by T.
Molecular consequence: splice donor variant.
Genome position (GRCh38, 1-based): chr21:42,388,402, C>A on the plus strand (G>T on the coding strand, the complement: TMPRSS3 is on the minus strand). VCF-style: chr21-42388402-C-A. GRCh37 (hg19) VCF-style: chr21-43808511-C-A.
Other names: c.446+1G>T (NM_024022.4, NM_032405.2, NM_024022.3); c.65+1G>T (NM_032404.3).
Identifiers: ClinVar variation 2871642 (VCV002871642.5), dbSNP rs1418692998, ClinGen allele CA410375275.

ClinVar aggregate classification (germline): Likely pathogenic. Review status: criteria provided, multiple submitters, no conflicts (2 of 4 stars). 3 submissions from 3 submitters: Likely pathogenic (3). Last evaluated 2026-08-06.

Conditions:
Autosomal recessive nonsyndromic hearing loss 8 (DFNB8). Also called: NEUROSENSORY NONSYNDROMIC RECESSIVE DEAFNESS 8; Deafness, autosomal recessive 10. Identifiers: Orphanet 90636, MedGen C1832827, MONDO:0010987, OMIM 601072.

Allele frequency attached by ClinVar (database versions not stated): gnomAD 0.00001; gnomAD exomes 0.00001; TOPMed 0.00001.
gnomAD v4.1: 9 of 1,614,138 alleles (0.00056%); highest among the groups gnomAD compares: Admixed American, 0.0017%; no homozygotes.

Submissions (3):

OLLIN Analises Genomicas, OLLIN
Classification: Likely pathogenic for Autosomal recessive nonsyndromic hearing loss 8. Last evaluated: 2026-08-06. Review status: criteria provided, single submitter. Criteria: ACMG Guidelines 2015 PMID 25741868. Collection method: clinical testing. Allele origin: germline. Inheritance: Autosomal recessive inheritance.
Comment: This variant, located at the canonical splicing site (splice donor), has been reported in ClinVar (accession VCV002871642.4) and in gnomAD with an allele frequency of 0.00056%. However, to our knowledge, it has not been reported in the scientific literature. This variant is predicted to disrupt a canonical splice site, potentially leading to exon skipping, mRNA degradation via nonsense-mediated decay (NMD), or production of a truncated protein. According to the currently available evidence, this variant has been classified as likely pathogenic (PVS1, PM2_P).

Fulgent Genetics
Classification: Likely pathogenic for Autosomal recessive nonsyndromic hearing loss 8. Last evaluated: 2024-03-31. Review status: criteria provided, single submitter. Criteria: ACMG Guidelines, 2015. Collection method: clinical testing. Allele origin: germline.

Labcorp Genetics (formerly Invitae), Labcorp
Classification: Likely pathogenic. Last evaluated: 2023-09-10. Review status: criteria provided, single submitter. Criteria: Invitae Variant Classification Sherloc (09022015). Collection method: clinical testing. Allele origin: germline.
Comment: In summary, the currently available evidence indicates that the variant is pathogenic, but additional data are needed to prove that conclusively. Therefore, this variant has been classified as Likely Pathogenic. Algorithms developed to predict the effect of sequence changes on RNA splicing suggest that this variant may disrupt the consensus splice site. This variant has not been reported in the literature in individuals affected with TMPRSS3-related conditions. This variant is not present in population databases (gnomAD no frequency). This sequence change affects a donor splice site in intron 5 of the TMPRSS3 gene. It is expected to disrupt RNA splicing. Variants that disrupt the donor or acceptor splice site typically lead to a loss of protein function (PMID: 16199547), and loss-of-function variants in TMPRSS3 are known to be pathogenic (PMID: 16021470, 26969326).

Literature cited by the submitters: PubMed 16199547 (cited by Labcorp Genetics (formerly Invitae), Labcorp); PubMed 16021470 (cited by Labcorp Genetics (formerly Invitae), Labcorp); PubMed 26969326 (cited by Labcorp Genetics (formerly Invitae), Labcorp).